The following is an entry in ClinVar:

NM_000374.5(UROD):c.296C>T (p.Thr99Ile)

Gene: UROD (uroporphyrinogen decarboxylase; plus strand). Cytogenetic location: 1p34.1.
Variant type: single nucleotide variant.
Coding change: c.296C>T on transcript NM_000374.5 (MANE Select); coding-DNA position 296, C replaced by T.
Protein change: p.Thr99Ile; replaces threonine 99 with isoleucine.
Molecular consequence: missense variant. On other transcripts: non-coding transcript variant (3).
Genome position (GRCh38, 1-based): chr1:45,013,613, C>T. VCF-style: chr1-45013613-C-T. GRCh37 (hg19) VCF-style: chr1-45479285-C-T.
Other names: short protein forms T99I.
Identifiers: ClinVar variation 3187005 (VCV003187005.3), dbSNP rs764836186, ClinGen allele CA825212.
Genomic context (GRCh38, chr1:45,013,613, plus strand): 5'-GGATTCCATTTTGGGAACCCAGATGTTTTCTCCCCCTCCAGGCACTGGGCATGGAGGTGA[C>T]CATGGTACCTGGCAAAGGACCCAGCTTCCCAGAGCCATTAAGAGAAGAGCAGGACCTAGA-3'
Protein context (NP_000365.3, residues 89-109): VVPQALGMEV[Thr99Ile]MVPGKGPSFP

ClinVar aggregate classification (germline): Uncertain significance. Review status: criteria provided, multiple submitters, no conflicts (2 of 4 stars). 2 submissions from 2 submitters: Uncertain significance (2). Last evaluated 2024-08-02.

Conditions:
Inborn genetic diseases. Identifiers: MedGen C0950123, MeSH D030342.

Allele frequency attached by ClinVar (database versions not stated): ExAC 0.00001; TOPMed 0.00001; gnomAD exomes 0.00002.
gnomAD v4.1: 35 of 1,614,142 alleles (0.0022%); highest among the groups gnomAD compares: Non-Finnish European, 0.0029%; no homozygotes.

Submissions (2):

Labcorp Genetics (formerly Invitae), Labcorp
Classification: Uncertain significance. Last evaluated: 2024-08-02. Review status: criteria provided, single submitter. Criteria: Invitae Variant Classification Sherloc (09022015). Collection method: clinical testing. Allele origin: germline.
Comment: This sequence change replaces threonine, which is neutral and polar, with isoleucine, which is neutral and non-polar, at codon 99 of the UROD protein (p.Thr99Ile). This variant is present in population databases (rs764836186, gnomAD 0.002%). This variant has not been reported in the literature in individuals affected with UROD-related conditions. Advanced modeling of protein sequence and biophysical properties (such as structural, functional, and spatial information, amino acid conservation, physicochemical variation, residue mobility, and thermodynamic stability) performed at Invitae indicates that this missense variant is not expected to disrupt UROD protein function with a negative predictive value of 80%. In summary, the available evidence is currently insufficient to determine the role of this variant in disease. Therefore, it has been classified as a Variant of Uncertain Significance.

Ambry Genetics
Classification: Uncertain significance for Inborn genetic diseases. Last evaluated: 2023-12-28. Review status: criteria provided, single submitter. Criteria: Ambry Variant Classification Scheme 2023. Collection method: clinical testing. Allele origin: germline.